The following is an entry in ClinVar:

ClinVar aggregate classification (germline): Likely pathogenic (1 of 4 stars; one submission).

Conditions:
Hereditary cancer-predisposing syndrome. Also called: Tumor predisposition; Hereditary Cancer Syndrome; Hereditary neoplastic syndrome; Neoplastic Syndromes, Hereditary. Identifiers: Orphanet 140162, MedGen C0027672, MeSH D009386, MONDO:0015356.

Submission:

Ambry Genetics
Classification: Likely pathogenic for Hereditary cancer-predisposing syndrome. Last evaluated: 2019-08-15. Review status: criteria provided, single submitter. Criteria: Ambry Variant Classification Scheme 2023. Collection method: clinical testing. Allele origin: germline.
Comment: The c.213_215delTGT variant (also known as p.V72del) is located in coding exon 3 of the SDHD gene. This variant results in an in-frame deletion of 3 nucleotides at positions 213 to 215 and removes a highly-conserved valine residue at codon 72. This alteration disrupts an alpha helix immediately adjacent to a crucial heme binding site resulting in mis-orientation of key residues for modulating heme function (Sun F et al. Cell. 2005 Jul; 121(7):1043-57; Ambry internal structural data). Additionally, using the the BDGP and ESEfinder splice site prediction tools, this alteration is predicted to create a new alternate splice donor site; however, direct evidence is unavailable. Based on the majority of available evidence to date, this alteration is likely to be pathogenic.

Literature cited by the submitters: PubMed 15989954.

NM_003002.4(SDHD):c.213_215del (p.Val72del)

Gene: SDHD (succinate dehydrogenase complex subunit D; plus strand). Cytogenetic location: 11q23.1.
Variant type: Deletion.
Coding change: c.213_215del on transcript NM_003002.4 (MANE Select); coding-DNA positions 213 to 215, 3 bases deleted (TGT; older notation c.213_215delTGT).
Protein change: p.Val72del; deletes valine 72.
Molecular consequence: inframe deletion. On other transcripts: non-coding transcript variant (1), intron variant (1).
Genome position (GRCh38, 1-based): chr11:112,088,910-112,088,912, TGT deleted; deleting any 3 consecutive bases within chr11:112,088,908-112,088,912 gives the same sequence; the c. name uses the placement nearest the transcript's 3' end. VCF-style (leftmost placement, unchanged base first): chr11-112088907-GGTT-G. GRCh37 (hg19) VCF-style: chr11-111959631-GGTT-G.
Other names: c.96_98del, p.Val33del (NM_001276504.2); c.213_215del, p.Val72del (NM_001276506.2); c.169+937_169+939del (NM_001276503.2); short protein forms V72del, V33del.
Identifiers: ClinVar variation 486442 (VCV000486442.5), dbSNP rs1555186992, ClinGen allele CA658658103.